The following is an entry in ClinVar:

ClinVar aggregate classification (germline): Uncertain significance (1 of 4 stars; one submission).

Submission:

Ambry Genetics
Classification: Uncertain significance. Last evaluated: 2025-03-26. Review status: criteria provided, single submitter. Criteria: Ambry Variant Classification Scheme 2023. Collection method: clinical testing. Allele origin: germline.
Comment: The p.G162A variant (also known as c.485G>C), located in coding exon 3 of the GEN1 gene, results from a G to C substitution at nucleotide position 485. The glycine at codon 162 is replaced by alanine, an amino acid with similar properties. This amino acid position is conserved. In addition, this alteration is predicted to be deleterious by in silico analysis. Based on the available evidence, the clinical significance of this variant remains unclear.

NM_001130009.3(GEN1):c.485G>C (p.Gly162Ala)

Gene: GEN1 (GEN1 Holliday junction 5' flap endonuclease; plus strand). Cytogenetic location: 2p24.2.
Variant type: single nucleotide variant.
Coding change: c.485G>C on transcript NM_001130009.3 (MANE Select); coding-DNA position 485, G replaced by C.
Protein change: p.Gly162Ala; replaces glycine 162 with alanine.
Molecular consequence: missense variant.
Genome position (GRCh38, 1-based): chr2:17,765,033, G>C. VCF-style: chr2-17765033-G-C. GRCh37 (hg19) VCF-style: chr2-17946300-G-C.
Other names: c.485G>C, p.Gly162Ala (NM_182625.5); short protein forms G162A.
Identifiers: ClinVar variation 4029165 (VCV004029165.1).